The following is an entry in ClinVar:

NM_053025.4(MYLK):c.373+3G>A

Gene: MYLK (myosin light chain kinase; minus strand). Cytogenetic location: 3q21.1.
Variant type: single nucleotide variant.
Coding change: c.373+3G>A on transcript NM_053025.4 (MANE Select); 3 bases into the intron after coding-DNA position 373, G replaced by A.
Molecular consequence: intron variant.
Genome position (GRCh38, 1-based): chr3:123,752,328, C>T on the plus strand (G>A on the coding strand, the complement: MYLK is on the minus strand). VCF-style: chr3-123752328-C-T. GRCh37 (hg19) VCF-style: chr3-123471175-C-T.
Other names: c.-155-12327G>A (NM_001321309.2); c.373+3G>A (NM_053028.4, NM_053026.4, NM_053027.4).
Identifiers: ClinVar variation 2966945 (VCV002966945.3), dbSNP rs1407914665, ClinGen allele CA546175334.

ClinVar aggregate classification (germline): Uncertain significance (1 of 4 stars; one submission).

Conditions:
Aortic aneurysm, familial thoracic 7 (AAT7). Also called: AORTIC DISSECTION, FAMILIAL, WITH OR WITHOUT AORTIC ANEURYSM. Identifiers: MedGen C3151077, MONDO:0013418, OMIM 613780.

Allele frequency attached by ClinVar (database versions not stated): gnomAD exomes below 0.00001; gnomAD 0.00001.
gnomAD v4.1: 3 of 1,613,782 alleles (0.00019%); highest among the groups gnomAD compares: African/African-American, 0.0013%; no homozygotes.

Submission:

Labcorp Genetics (formerly Invitae), Labcorp
Classification: Uncertain significance for Aortic aneurysm, familial thoracic 7. Last evaluated: 2024-04-25. Review status: criteria provided, single submitter. Criteria: Invitae Variant Classification Sherloc (09022015). Collection method: clinical testing. Allele origin: germline.
Comment: This sequence change falls in intron 5 of the MYLK gene. It does not directly change the encoded amino acid sequence of the MYLK protein. It affects a nucleotide within the consensus splice site. This variant is present in population databases (no rsID available, gnomAD 0.01%). This variant has not been reported in the literature in individuals affected with MYLK-related conditions. Variants that disrupt the consensus splice site are a relatively common cause of aberrant splicing (PMID: 17576681, 9536098). Algorithms developed to predict the effect of sequence changes on RNA splicing suggest that this variant is not likely to affect RNA splicing. In summary, the available evidence is currently insufficient to determine the role of this variant in disease. Therefore, it has been classified as a Variant of Uncertain Significance.

Literature cited by the submitters: PubMed 17576681; PubMed 9536098.